The following is an entry in ClinVar:

NC_012920.1(MT-ND2):m.4936C>T

Gene: MT-ND2 (mitochondrially encoded NADH dehydrogenase 2; plus strand).
Variant type: single nucleotide variant.
Genome position: chrM-4936-C-T.
Identifiers: ClinVar variation 692524 (VCV000692524.1), dbSNP rs1603219679, ClinGen allele CA414778162.

ClinVar aggregate classification (germline): Benign (1 of 4 stars; one submission).

Conditions:
Leigh syndrome (NULS). Also called: Leigh's necrotizing encephalopathy; Leigh's disease; Leigh Syndrome (mtDNA deletion); Leigh Disease; Subacute necrotizing encephalopathy; Necrotizing encephalopathy infantile subacute of Leigh. Identifiers: Orphanet 506, MedGen C2931891, MONDO:0009723, OMIM 256000.

Submission:

Wong Mito Lab, Molecular and Human Genetics, Baylor College of Medicine
Classification: Benign for Leigh syndrome. Last evaluated: 2019-10-17. Review status: criteria provided, single submitter. Criteria: Modified ACMG Guidelines (Unpublished). Collection method: clinical testing. Allele origin: germline.
Comment: The NC_012920.1:m.4936C>T (YP_003024027.1:p.Thr156Ile) variant in MTND2 gene is interpretated to be a Benign variant based on the modified ACMG guidelines (unpublished). This variant meets the following evidence codes: BS1, BS2, BP4